The following is an entry in ClinVar:

NM_002890.3(RASA1):c.3002T>G (p.Ile1001Ser)

Genes: CCNH (cyclin H; minus strand), RASA1 (RAS p21 protein activator 1; plus strand). Cytogenetic location: 5q14.3.
Variant type: single nucleotide variant.
Coding change: c.3002T>G on transcript NM_002890.3 (MANE Select); coding-DNA position 3002, T replaced by G.
Protein change: p.Ile1001Ser; replaces isoleucine 1001 with serine.
Molecular consequence: missense variant. On other transcripts: intron variant (1).
Genome position (GRCh38, 1-based): chr5:87,389,469, T>G. VCF-style: chr5-87389469-T-G. GRCh37 (hg19) VCF-style: chr5-86685286-T-G.
Other names: c.2471T>G, p.Ile824Ser (NM_022650.3); c.933+5575A>C (NM_001364075.2); short protein forms I824S, I1001S.
Identifiers: ClinVar variation 2039535 (VCV002039535.4), dbSNP rs755256220, ClinGen allele CA3336188.

ClinVar aggregate classification (germline): Uncertain significance (1 of 4 stars; one submission).

Conditions:
Capillary malformation-arteriovenous malformation syndrome. Also called: Capillary malformation-arteriovenous malformation. Identifiers: Orphanet 137667, MedGen C1842180, MONDO:0012016.

Allele frequency attached by ClinVar (database versions not stated): ExAC 0.00001.
gnomAD v4.1: 1 of 1,614,178 alleles (0.000062%); no homozygotes.

Submission:

Labcorp Genetics (formerly Invitae), Labcorp
Classification: Uncertain significance for Capillary malformation-arteriovenous malformation syndrome. Last evaluated: 2024-09-05. Review status: criteria provided, single submitter. Criteria: Invitae Variant Classification Sherloc (09022015). Collection method: clinical testing. Allele origin: germline.
Comment: This sequence change replaces isoleucine, which is neutral and non-polar, with serine, which is neutral and polar, at codon 1001 of the RASA1 protein (p.Ile1001Ser). This variant is present in population databases (rs755256220, gnomAD 0.0009%). This variant has not been reported in the literature in individuals affected with RASA1-related conditions. ClinVar contains an entry for this variant (Variation ID: 2039535). An algorithm developed to predict the effect of missense changes on protein structure and function (PolyPhen-2) suggests that this variant is likely to be tolerated. In summary, the available evidence is currently insufficient to determine the role of this variant in disease. Therefore, it has been classified as a Variant of Uncertain Significance.